The following is an entry in ClinVar:

ClinVar aggregate classification (germline): Uncertain significance (1 of 4 stars; one submission).

Allele frequency attached by ClinVar (database versions not stated): gnomAD 0.00001.
gnomAD v4.1: 2 of 1,557,316 alleles (0.00013%); highest among the groups gnomAD compares: South Asian, 0.0012%; no homozygotes.

Submission:

Labcorp Genetics (formerly Invitae), Labcorp
Classification: Uncertain significance. Last evaluated: 2022-10-05. Review status: criteria provided, single submitter. Criteria: Invitae Variant Classification Sherloc (09022015). Collection method: clinical testing. Allele origin: germline.
Comment: In summary, the available evidence is currently insufficient to determine the role of this variant in disease. Therefore, it has been classified as a Variant of Uncertain Significance. This variant is not present in population databases (gnomAD no frequency). This sequence change replaces valine, which is neutral and non-polar, with leucine, which is neutral and non-polar, at codon 707 of the BCL11B protein (p.Val707Leu). Advanced modeling of protein sequence and biophysical properties (such as structural, functional, and spatial information, amino acid conservation, physicochemical variation, residue mobility, and thermodynamic stability) performed at Invitae indicates that this missense variant is not expected to disrupt BCL11B protein function. This variant has not been reported in the literature in individuals affected with BCL11B-related conditions.

NM_138576.4(BCL11B):c.2119G>T (p.Val707Leu)

Gene: BCL11B (BCL11 transcription factor B; minus strand). Cytogenetic location: 14q32.2.
Variant type: single nucleotide variant.
Coding change: c.2119G>T on transcript NM_138576.4 (MANE Select); coding-DNA position 2119, G replaced by T.
Protein change: p.Val707Leu; replaces valine 707 with leucine.
Molecular consequence: missense variant.
Genome position (GRCh38, 1-based): chr14:99,174,717, C>A on the plus strand (G>T on the coding strand, the complement: BCL11B is on the minus strand). VCF-style: chr14-99174717-C-A. GRCh37 (hg19) VCF-style: chr14-99641054-C-A.
Other names: c.2116G>T, p.Val706Leu (NM_001282237.2); c.1903G>T, p.Val635Leu (NM_001282238.2); c.1906G>T, p.Val636Leu (NM_022898.3); short protein forms V636L, V707L, V635L, V706L.
Identifiers: ClinVar variation 2120275 (VCV002120275.4), dbSNP rs1886413274, ClinGen allele CA390933921.